The following is an entry in ClinVar:

ClinVar aggregate classification (germline): Likely pathogenic (1 of 4 stars; one submission).

Allele frequency attached by ClinVar (database versions not stated): gnomAD exomes 0.00001.
gnomAD v4.1: 5 of 1,613,482 alleles (0.00031%); highest among the groups gnomAD compares: Non-Finnish European, 0.00042%; no homozygotes.

Submission:

Labcorp Genetics (formerly Invitae), Labcorp
Classification: Likely pathogenic. Last evaluated: 2023-11-13. Review status: criteria provided, single submitter. Criteria: Invitae Variant Classification Sherloc (09022015). Collection method: clinical testing. Allele origin: germline.
Comment: This sequence change affects a donor splice site in intron 1 of the IDH3B gene. It is expected to disrupt RNA splicing. Variants that disrupt the donor or acceptor splice site typically lead to a loss of protein function (PMID: 16199547), and loss-of-function variants in IDH3B are known to be pathogenic (PMID: 18806796). This variant is not present in population databases (gnomAD no frequency). This variant has not been reported in the literature in individuals affected with IDH3B-related conditions. ClinVar contains an entry for this variant (Variation ID: 1396201). Algorithms developed to predict the effect of sequence changes on RNA splicing suggest that this variant may disrupt the consensus splice site. In summary, the currently available evidence indicates that the variant is pathogenic, but additional data are needed to prove that conclusively. Therefore, this variant has been classified as Likely Pathogenic.

Literature cited by the submitters: PubMed 16199547; PubMed 18806796.

NM_006899.5(IDH3B):c.36+1G>A

Gene: IDH3B (isocitrate dehydrogenase (NAD(+)) 3 non-catalytic subunit beta; minus strand). Cytogenetic location: 20p13.
Variant type: single nucleotide variant.
Coding change: c.36+1G>A on transcript NM_006899.5 (MANE Select); the canonical splice donor site of the intron after coding-DNA position 36, G replaced by A.
Molecular consequence: splice donor variant.
Genome position (GRCh38, 1-based): chr20:2,664,152, C>T on the plus strand (G>A on the coding strand, the complement: IDH3B is on the minus strand). VCF-style: chr20-2664152-C-T. GRCh37 (hg19) VCF-style: chr20-2644798-C-T.
Other names: c.36+1G>A (NM_174855.4, NM_001330763.2, NM_001258384.3).
Identifiers: ClinVar variation 1396201 (VCV001396201.6), dbSNP rs2146321981, ClinGen allele CA408041254.
Genomic context (GRCh38, chr20:2,664,152, plus strand): 5'-ACCCTAGGACAAACTCTCCGCTCCTTCGCCCGCCCCTGCCCGACATGTCCCGGGGCCTCA[C>T]TCGGGTCAGCCAGCGGACTCCGCTCAATGCCGCCATGTTTCCCGCAGGAAGTCGCGTGGG-3'